The following is an entry in ClinVar:

ClinVar aggregate classification (germline): Uncertain significance (1 of 4 stars; one submission).

Allele frequency attached by ClinVar (database versions not stated): gnomAD exomes below 0.00001.
gnomAD v4.1: 2 of 1,613,504 alleles (0.00012%); highest among the groups gnomAD compares: Non-Finnish European, 0.00017%; no homozygotes.

Submission:

Labcorp Genetics (formerly Invitae), Labcorp
Classification: Uncertain significance. Last evaluated: 2022-04-20. Review status: criteria provided, single submitter. Criteria: Invitae Variant Classification Sherloc (09022015). Collection method: clinical testing. Allele origin: germline.
Comment: In summary, the available evidence is currently insufficient to determine the role of this variant in disease. Therefore, it has been classified as a Variant of Uncertain Significance. Advanced modeling of protein sequence and biophysical properties (such as structural, functional, and spatial information, amino acid conservation, physicochemical variation, residue mobility, and thermodynamic stability) performed at Invitae indicates that this missense variant is expected to disrupt HNF1A protein function. This variant has not been reported in the literature in individuals affected with HNF1A-related conditions. This variant is not present in population databases (gnomAD no frequency). This sequence change replaces histidine, which is basic and polar, with leucine, which is neutral and non-polar, at codon 469 of the HNF1A protein (p.His469Leu).

NM_000545.8(HNF1A):c.1406A>T (p.His469Leu)

Gene: HNF1A (HNF1 homeobox A; plus strand). Cytogenetic location: 12q24.31.
Variant type: single nucleotide variant.
Coding change: c.1406A>T on transcript NM_000545.8 (MANE Select); coding-DNA position 1406, A replaced by T.
Protein change: p.His469Leu; replaces histidine 469 with leucine.
Molecular consequence: missense variant.
Genome position (GRCh38, 1-based): chr12:120,997,570, A>T. VCF-style: chr12-120997570-A-T. GRCh37 (hg19) VCF-style: chr12-121435373-A-T.
Other names: c.1406A>T, p.His469Leu (NM_001306179.2); short protein forms H469L.
Identifiers: ClinVar variation 1906144 (VCV001906144.5), dbSNP rs1593061780, ClinGen allele CA386970176.
Genomic context (GRCh38, chr12:120,997,570, plus strand): 5'-TCAACAGCATGGGCAGCAGCCTGACCACCCTGCAGCCCGTCCAGTTCTCCCAGCCGCTGC[A>T]CCCCTCCTACCAGCAGCCGCTCATGCCACCTGTGCAGAGCCATGTGACCCAGAGCCCCTT-3'
Protein context (NP_000536.6, residues 459-479): LQPVQFSQPL[His469Leu]PSYQQPLMPP